The following is an entry in ClinVar:

NM_003072.5(SMARCA4):c.2048C>G (p.Pro683Arg)

Gene: SMARCA4 (SWI/SNF related BAF chromatin remodeling complex subunit ATPase 4; plus strand). Cytogenetic location: 19p13.2.
Variant type: single nucleotide variant.
Coding change: c.2048C>G on transcript NM_003072.5 (MANE Select); coding-DNA position 2048, C replaced by G.
Protein change: p.Pro683Arg; replaces proline 683 with arginine.
Molecular consequence: missense variant. On other transcripts: non-coding transcript variant (1).
Genome position (GRCh38, 1-based): chr19:11,007,948, C>G. VCF-style: chr19-11007948-C-G. GRCh37 (hg19) VCF-style: chr19-11118624-C-G.
Other names: c.2048C>G, p.Pro683Arg (NM_001128844.3, NM_001128845.2, NM_001128846.2 and 5 more transcripts); short protein forms P683R.
Identifiers: ClinVar variation 238387 (VCV000238387.19), dbSNP rs878854203, ClinGen allele CA10583736.

ClinVar aggregate classification (germline): Conflicting classifications of pathogenicity. Review status: criteria provided, conflicting classifications (1 of 4 stars). 4 submissions from 4 submitters: Uncertain significance (3); Likely benign (1). Last evaluated 2025-12-12.

Conditions:
SMARCA4-related disorder. Also called: SMARCA4-related condition.
Hereditary cancer-predisposing syndrome. Also called: Neoplastic Syndromes, Hereditary; Hereditary neoplastic syndrome; Hereditary Cancer Syndrome; Tumor predisposition. Identifiers: Orphanet 140162, MedGen C0027672, MeSH D009386, MONDO:0015356.
Intellectual disability, autosomal dominant 16 (CSS4). Also called: COFFIN-SIRIS SYNDROME 4. Identifiers: Orphanet 1465, MedGen C3553249, MONDO:0013821, OMIM 614609.
Rhabdoid tumor predisposition syndrome 2 (RTPS2). Identifiers: Orphanet 231108, Orphanet 69077, MedGen C2750074, MONDO:0013224, OMIM 613325.

gnomAD v4.1: 1 of 1,613,658 alleles (0.000062%); highest among the groups gnomAD compares: Non-Finnish European, 0.000085%; no homozygotes.

Submissions (4):

Labcorp Genetics (formerly Invitae), Labcorp
Classification: Uncertain significance for Rhabdoid tumor predisposition syndrome 2. Last evaluated: 2025-12-12. Review status: criteria provided, single submitter. Criteria: Invitae Variant Classification Sherloc (09022015). Collection method: clinical testing. Allele origin: germline.
Comment: This sequence change replaces proline, which is neutral and non-polar, with arginine, which is basic and polar, at codon 683 of the SMARCA4 protein (p.Pro683Arg). This variant is not present in population databases (gnomAD no frequency). This variant has not been reported in the literature in individuals affected with SMARCA4-related conditions. ClinVar contains an entry for this variant (Variation ID: 238387). An algorithm developed to predict the effect of missense changes on protein structure and function (PolyPhen-2) suggests that this variant is likely to be tolerated. In summary, the available evidence is currently insufficient to determine the role of this variant in disease. Therefore, it has been classified as a Variant of Uncertain Significance.

PreventionGenetics, part of Exact Sciences
Classification: Uncertain significance for SMARCA4-related condition. Last evaluated: 2025-10-06. Review status: criteria provided, single submitter. Criteria: ACMG Guidelines, 2015. Collection method: clinical testing. Allele origin: germline.
Comment: The SMARCA4 c.2048C>G variant is predicted to result in the amino acid substitution p.Pro683Arg. To our knowledge, this variant has not been reported in the literature or in a large population database (gnomAD), indicating this variant is rare. At this time, the clinical significance of this variant is uncertain due to the absence of conclusive functional and genetic evidence.

Ambry Genetics
Classification: Likely benign for Hereditary cancer-predisposing syndrome. Last evaluated: 2021-08-20. Review status: criteria provided, single submitter. Criteria: Ambry Variant Classification Scheme 2023. Collection method: clinical testing. Allele origin: germline.

Genome-Nilou Lab
Classification: Uncertain significance for Intellectual disability, autosomal dominant 16. Last evaluated: 2021-07-15. Review status: criteria provided, single submitter. Criteria: ACMG Guidelines, 2015. Collection method: clinical testing. Allele origin: germline. Affected: no.